The following is an entry in ClinVar:

ClinVar aggregate classification (germline): Uncertain significance. Review status: criteria provided, multiple submitters, no conflicts (2 of 4 stars). 2 submissions from 2 submitters: Uncertain significance (2). Last evaluated 2026-01-18.

Conditions:
EGFR-related lung cancer (EGFR). Identifiers: MedGen CN130014.
Hereditary cancer-predisposing syndrome. Also called: Neoplastic Syndromes, Hereditary; Hereditary Cancer Syndrome; Tumor predisposition; Hereditary neoplastic syndrome. Identifiers: Orphanet 140162, MedGen C0027672, MeSH D009386, MONDO:0015356.

Allele frequency attached by ClinVar (database versions not stated): gnomAD 0.00001; gnomAD exomes 0.00001; ExAC 0.00002.
gnomAD v4.1: 14 of 1,613,966 alleles (0.00087%); highest among the groups gnomAD compares: South Asian, 0.014%; no homozygotes.

Submissions (2):

Labcorp Genetics (formerly Invitae), Labcorp
Classification: Uncertain significance for EGFR-related lung cancer. Last evaluated: 2026-01-18. Review status: criteria provided, single submitter. Criteria: Invitae Variant Classification Sherloc (09022015). Collection method: clinical testing. Allele origin: germline.
Comment: This sequence change replaces valine, which is neutral and non-polar, with glycine, which is neutral and non-polar, at codon 651 of the EGFR protein (p.Val651Gly). This variant is present in population databases (rs758954817, gnomAD 0.02%). This variant has not been reported in the literature in individuals affected with EGFR-related conditions. ClinVar contains an entry for this variant (Variation ID: 1933979). Invitae Evidence Modeling of protein sequence and biophysical properties (such as structural, functional, and spatial information, amino acid conservation, physicochemical variation, residue mobility, and thermodynamic stability) indicates that this missense variant is not expected to disrupt EGFR protein function with a negative predictive value of 80%. In summary, the available evidence is currently insufficient to determine the role of this variant in disease. Therefore, it has been classified as a Variant of Uncertain Significance.

Ambry Genetics
Classification: Uncertain significance for Hereditary cancer-predisposing syndrome. Last evaluated: 2024-12-13. Review status: criteria provided, single submitter. Criteria: Ambry Variant Classification Scheme 2023. Collection method: clinical testing. Allele origin: germline.
Comment: The p.V651G variant (also known as c.1952T>G), located in coding exon 17 of the EGFR gene, results from a T to G substitution at nucleotide position 1952. The valine at codon 651 is replaced by glycine, an amino acid with dissimilar properties. This amino acid position is highly conserved in available vertebrate species. In addition, this alteration is predicted to be deleterious by in silico analysis. Based on the available evidence, the clinical significance of this variant remains unclear.

NM_005228.5(EGFR):c.1952T>G (p.Val651Gly)

Gene: EGFR (epidermal growth factor receptor; plus strand). Cytogenetic location: 7p11.2.
Variant type: single nucleotide variant.
Coding change: c.1952T>G on transcript NM_005228.5 (MANE Select); coding-DNA position 1952, T replaced by G.
Protein change: p.Val651Gly; replaces valine 651 with glycine.
Molecular consequence: missense variant.
Genome position (GRCh38, 1-based): chr7:55,173,015, T>G. VCF-style: chr7-55173015-T-G. GRCh37 (hg19) VCF-style: chr7-55240708-T-G.
Other names: c.1817T>G, p.Val606Gly (NM_001346897.2, NM_001346899.2); c.1952T>G, p.Val651Gly (NM_001346898.2); c.1793T>G, p.Val598Gly (NM_001346900.2); c.1151T>G, p.Val384Gly (NM_001346941.2); short protein forms V606G, V598G, V651G, V384G.
Identifiers: ClinVar variation 1933979 (VCV001933979.6), dbSNP rs758954817, ClinGen allele CA4265923.